The following is an entry in ClinVar:

ClinVar aggregate classification (germline): Benign/Likely benign. Review status: criteria provided, multiple submitters, no conflicts (2 of 4 stars). 3 submissions from 3 submitters: Benign (1); Likely benign (1). 1 of the submissions does not count toward it. Last evaluated 2026-02-01.

Conditions:
GAS8-related disorder. Also called: GAS8-related condition.
Primary ciliary dyskinesia 33. Also called: CILIARY DYSKINESIA, PRIMARY, 33, WITHOUT SITUS INVERSUS. Identifiers: Orphanet 244, MedGen C4225230, MONDO:0014750, OMIM 616726.

Allele frequency attached by ClinVar (database versions not stated): gnomAD 0.00029 and 0.00056; TOPMed 0.00083; 1000 Genomes Project 30x 0.00187; 1000 Genomes Project 0.00220.
gnomAD v4.1: 600 of 1,614,148 alleles (0.037%); highest among the groups gnomAD compares: East Asian, 0.67%; 4 homozygotes.

Submissions (3):

Labcorp Genetics (formerly Invitae), Labcorp
Classification: Benign for Primary ciliary dyskinesia 33. Last evaluated: 2026-02-01. Review status: criteria provided, single submitter. Criteria: Invitae Variant Classification Sherloc (09022015). Collection method: clinical testing. Allele origin: germline.

Blueprint Genetics
Classification: Likely benign. Last evaluated: 2024-11-08. Review status: criteria provided, single submitter. Criteria: ACMG Guidelines, 2015. Collection method: clinical testing. Allele origin: germline.

PreventionGenetics, part of Exact Sciences
Classification: Benign for GAS8-related condition. Last evaluated: 2019-07-12. Review status: no assertion criteria provided. Collection method: clinical testing. Allele origin: germline. Not counted in ClinVar's aggregate classification.
Comment: This variant is classified as benign based on ACMG/AMP sequence variant interpretation guidelines (Richards et al. 2015 PMID: 25741868, with internal and published modifications).

NM_001481.3(DRC4):c.45C>A (p.Thr15=)

Gene: DRC4 (dynein regulatory complex subunit 4; plus strand). Cytogenetic location: 16q24.3.
Variant type: single nucleotide variant.
Coding change: c.45C>A on transcript NM_001481.3 (MANE Select); coding-DNA position 45, C replaced by A.
Protein change: p.Thr15=; no amino-acid change (threonine 15 retained).
Molecular consequence: synonymous variant. On other transcripts: 5 prime UTR variant (3).
Genome position (GRCh38, 1-based): chr16:90,027,677, C>A. VCF-style: chr16-90027677-C-A. GRCh37 (hg19) VCF-style: chr16-90094085-C-A.
Other names: c.-328C>A (NM_001286205.2); c.-600C>A (NM_001286208.2); c.-31C>A (NM_001286209.2).
Identifiers: ClinVar variation 772309 (VCV000772309.14), dbSNP rs188382147, ClinGen allele CA8257446.